The following is an entry in ClinVar:

NM_130839.5(UBE3A):c.2344G>C (p.Val782Leu)

Genes: SNHG14 (small nucleolar RNA host gene 14; plus strand), UBE3A (ubiquitin protein ligase E3A; minus strand). Cytogenetic location: 15q11.2.
Variant type: single nucleotide variant.
Coding change: c.2344G>C on transcript NM_130839.5 (MANE Select); coding-DNA position 2344, G replaced by C.
Protein change: p.Val782Leu; replaces valine 782 with leucine.
Molecular consequence: missense variant. On other transcripts: non-coding transcript variant (1).
Genome position (GRCh38, 1-based): chr15:25,354,363, C>G on the plus strand (G>C on the coding strand, the complement: UBE3A is on the minus strand). VCF-style: chr15-25354363-C-G. GRCh37 (hg19) VCF-style: chr15-25599510-C-G.
Other names: c.2284G>C, p.Val762Leu (NM_001354540.2, NM_001354541.2, NM_001354542.2 and 14 more transcripts); c.2188G>C, p.Val730Leu (NM_001354545.2); c.2167G>C, p.Val723Leu (NM_001354546.2); c.2128G>C, p.Val710Leu (NM_001354547.2, NM_001354548.2); c.2119G>C, p.Val707Leu (NM_001354549.2); c.2353G>C, p.Val785Leu (NM_000462.5); c.2344G>C, p.Val782Leu (NM_001354505.1, NM_001354538.2); c.1093G>C, p.Val365Leu (NM_001354550.2); and 1 more; short protein forms V345L, V365L, V707L, V710L, V723L, V730L, V762L, V782L.
Identifiers: ClinVar variation 2431509 (VCV002431509.2), dbSNP rs587782910, ClinGen allele CA391351445.

ClinVar aggregate classification (germline): Uncertain significance (1 of 4 stars; one submission).

Conditions:
Angelman syndrome (AS). Also called: HAPPY PUPPET SYNDROME. Identifiers: Orphanet 72, MedGen C0162635, MONDO:0007113, OMIM 105830. Disease mechanism: loss of function. Inheritance: AS is caused by disruption of maternally imprinted UBE3A located within the 15q11.2-q13 Angelman syndrome/Prader-Willi syndrome (AS/PWS) region., imprinting disorder.

Submission:

Laboratorio de Genetica e Diagnostico Molecular, Hospital Israelita Albert Einstein
Classification: Uncertain significance for Angelman syndrome. Last evaluated: 2023-01-31. Review status: criteria provided, single submitter. Criteria: ACMG Guidelines, 2015. Collection method: clinical testing. Allele origin: germline. Affected: yes.
Comment: ACMG classification criteria: PM2 moderated, PP2 supporting, BP4 supporting